The following is an entry in ClinVar:

ClinVar aggregate classification (germline): Uncertain significance (1 of 4 stars; one submission).

Conditions:
TGFB1-related disorder. Also called: TGFB1-related condition.

gnomAD v4.1: 1 of 1,614,190 alleles (0.000062%); highest among the groups gnomAD compares: Non-Finnish European, 0.000085%; no homozygotes.

Submission:

PreventionGenetics, part of Exact Sciences
Classification: Uncertain significance for TGFB1-related condition. Last evaluated: 2024-12-21. Review status: criteria provided, single submitter. Criteria: ACMG Guidelines, 2015. Collection method: clinical testing. Allele origin: germline.
Comment: The TGFB1 c.944A>T variant is predicted to result in the amino acid substitution p.Lys315Met. To our knowledge, this variant has not been reported in the literature or in a large population database (gnomAD), indicating this variant is rare. At this time, the clinical significance of this variant is uncertain due to the absence of conclusive functional and genetic evidence.

NM_000660.7(TGFB1):c.944A>T (p.Lys315Met)

Gene: TGFB1 (transforming growth factor beta 1; minus strand). Cytogenetic location: 19q13.2.
Variant type: single nucleotide variant.
Coding change: c.944A>T on transcript NM_000660.7 (MANE Select); coding-DNA position 944, A replaced by T.
Protein change: p.Lys315Met; replaces lysine 315 with methionine.
Molecular consequence: missense variant.
Genome position (GRCh38, 1-based): chr19:41,332,198, T>A on the plus strand (A>T on the coding strand, the complement: TGFB1 is on the minus strand). VCF-style: chr19-41332198-T-A. GRCh37 (hg19) VCF-style: chr19-41838103-T-A.
Other names: short protein forms K315M.
Identifiers: ClinVar variation 4986080 (VCV004986080.1).
Genomic context (GRCh38, chr19:41,332,198, plus strand): 5'-TGCGTGTCCAGGCTCCAAATGTAGGGGCAGGGCCCGAGGCAGAAGTTGGCATGGTAGCCC[T>A]TGGGCTCGTGGATCCACTTCCAGCCGAGGTCCTTGCGGAAGTCAATGTACAGCTGCCGCA-3'
Protein context (NP_000651.3, residues 305-325): DLGWKWIHEP[Lys315Met]GYHANFCLGP